The following is an entry in ClinVar:

ClinVar aggregate classification (germline): Likely pathogenic (1 of 4 stars; one submission).

Conditions:
Fanconi anemia complementation group O. Also called: RAD51C-Related Fanconi Anemia. Identifiers: Orphanet 84, MedGen C3150653, MONDO:0013248, OMIM 613390.

Submission:

Labcorp Genetics (formerly Invitae), Labcorp
Classification: Likely pathogenic for Fanconi anemia complementation group O. Last evaluated: 2018-04-30. Review status: criteria provided, single submitter. Criteria: Invitae Variant Classification Sherloc (09022015). Collection method: clinical testing. Allele origin: germline.
Comment: In summary, the currently available evidence indicates that the variant is pathogenic, but additional data are needed to prove that conclusively. Therefore, this variant has been classified as Likely Pathogenic. Donor and acceptor splice site variants typically lead to a loss of protein function (PMID: 16199547), and loss-of-function variants in RAD51C are known to be pathogenic (PMID: 20400964, 21990120, 24800917). This variant has not been reported in the literature in individuals with RAD51C-related disease. This variant is not present in population databases (ExAC no frequency). This sequence change affects a donor splice site in intron 3 of the RAD51C gene. It is expected to disrupt RNA splicing and likely results in an absent or disrupted protein product.

Literature cited by the submitters: PubMed 16199547; PubMed 20400964; PubMed 21990120; PubMed 24800917.

NM_058216.3(RAD51C):c.571+2T>A

Gene: RAD51C (RAD51 paralog C; plus strand). Cytogenetic location: 17q22.
Variant type: single nucleotide variant.
Coding change: c.571+2T>A on transcript NM_058216.3 (MANE Select); the canonical splice donor site of the intron after coding-DNA position 571, T replaced by A.
Molecular consequence: splice donor variant.
Genome position (GRCh38, 1-based): chr17:58,696,861, T>A. VCF-style: chr17-58696861-T-A. GRCh37 (hg19) VCF-style: chr17-56774222-T-A.
Identifiers: ClinVar variation 578349 (VCV000578349.7), dbSNP rs1567789009, ClinGen allele CA400345567.